The following is an entry in ClinVar:

ClinVar aggregate classification (germline): Uncertain significance (1 of 4 stars; one submission).

gnomAD v4.1: 1 of 1,613,228 alleles (0.000062%); highest among the groups gnomAD compares: Non-Finnish European, 0.000085%; no homozygotes.

Submission:

GeneDx
Classification: Uncertain significance. Last evaluated: 2026-10-25. Review status: criteria provided, single submitter. Criteria: GeneDx Variant Classification Process June 2021. Collection method: clinical testing. Allele origin: germline.
Comment: Not observed at significant frequency in large population cohorts (gnomAD); In silico analysis supports that this missense variant has a deleterious effect on protein structure/function; Has not been previously published as pathogenic or benign to our knowledge

NM_031844.3(HNRNPU):c.856A>G (p.Thr286Ala)

Gene: HNRNPU (heterogeneous nuclear ribonucleoprotein U; minus strand). Cytogenetic location: 1q44.
Variant type: single nucleotide variant.
Coding change: c.856A>G on transcript NM_031844.3 (MANE Select); coding-DNA position 856, A replaced by G.
Protein change: p.Thr286Ala; replaces threonine 286 with alanine.
Molecular consequence: missense variant.
Genome position (GRCh38, 1-based): chr1:244,862,482, T>C on the plus strand (A>G on the coding strand, the complement: HNRNPU is on the minus strand). VCF-style: chr1-244862482-T-C. GRCh37 (hg19) VCF-style: chr1-245025784-T-C.
Other names: c.799A>G, p.Thr267Ala (NM_004501.3); short protein forms T267A, T286A.
Identifiers: ClinVar variation 4527318 (VCV004527318.2).
Genomic context (GRCh38, chr1:244,862,482, plus strand): 5'-CACCGCATTTCATAATTGGGGAGAAACAGCTTCACTTACAAGTATCAAGACAAACCACTG[T>C]GTCATCGAAGTGTTCATCTTCTTCTTCAACAGGTGGCTGAGGAGATTTGGCTCTGAAAGA-3'
Protein context (NP_114032.2, residues 276-296): VEEEDEHFDD[Thr286Ala]VVCLDTYNCD